The following is an entry in ClinVar:

NM_181703.4(GJA5):c.638C>A (p.Ala213Asp)

Genes: GJA5 (gap junction protein alpha 5; minus strand), LOC122128420 (Sharpr-MPRA regulatory region 3144; plus strand). Cytogenetic location: 1q21.2.
Variant type: single nucleotide variant.
Coding change: c.638C>A on transcript NM_181703.4 (MANE Select); coding-DNA position 638, C replaced by A.
Protein change: p.Ala213Asp; replaces alanine 213 with aspartic acid.
Molecular consequence: missense variant.
Genome position (GRCh38, 1-based): chr1:147,758,601, G>T on the plus strand (C>A on the coding strand, the complement: GJA5 is on the minus strand). VCF-style: chr1-147758601-G-T. GRCh37 (hg19) VCF-style: chr1-147230709-G-T.
Other names: c.638C>A, p.Ala213Asp (NM_005266.7); short protein forms A213D.
Identifiers: ClinVar variation 2089100 (VCV002089100.4), dbSNP rs1198129780, ClinGen allele CA342395276.

ClinVar aggregate classification (germline): Uncertain significance (1 of 4 stars; one submission).

Conditions:
Atrial standstill 1 (ATRST1). Also called: Atrial standstill, digenic (GJA5/SCN5A); ATRIAL CARDIOMYOPATHY WITH HEART BLOCK; CARDIOMYOPATHY, FAMILIAL, WITH CONDUCTION DISTURBANCE. Identifiers: Orphanet 1344, MedGen C4551959, MONDO:0007171, OMIM 108770.
Atrial fibrillation, familial, 11 (ATFB11). Identifiers: MedGen C3279693, MONDO:0013544, OMIM 614049.

Allele frequency attached by ClinVar (database versions not stated): gnomAD exomes below 0.00001; gnomAD 0.00003.
gnomAD v4.1: 10 of 1,614,018 alleles (0.00062%); highest among the groups gnomAD compares: Admixed American, 0.0033%; no homozygotes.

Submission:

Labcorp Genetics (formerly Invitae), Labcorp
Classification: Uncertain significance for Atrial fibrillation, familial, 11; Atrial standstill 1. Last evaluated: 2022-09-27. Review status: criteria provided, single submitter. Criteria: Invitae Variant Classification Sherloc (09022015). Collection method: clinical testing. Allele origin: germline.
Comment: This variant has not been reported in the literature in individuals affected with GJA5-related conditions. In summary, the available evidence is currently insufficient to determine the role of this variant in disease. Therefore, it has been classified as a Variant of Uncertain Significance. Advanced modeling of protein sequence and biophysical properties (such as structural, functional, and spatial information, amino acid conservation, physicochemical variation, residue mobility, and thermodynamic stability) performed at Invitae indicates that this missense variant is expected to disrupt GJA5 protein function. This variant is present in population databases (no rsID available, gnomAD 0.003%). This sequence change replaces alanine, which is neutral and non-polar, with aspartic acid, which is acidic and polar, at codon 213 of the GJA5 protein (p.Ala213Asp).